The following is an entry in ClinVar:

NM_002444.3(MSN):c.1223G>A (p.Arg408Gln)

Gene: MSN (moesin; plus strand). Cytogenetic location: Xq12.
Variant type: single nucleotide variant.
Coding change: c.1223G>A on transcript NM_002444.3 (MANE Select); coding-DNA position 1223, G replaced by A.
Protein change: p.Arg408Gln; replaces arginine 408 with glutamine.
Molecular consequence: missense variant.
Genome position (GRCh38, 1-based): chrX:65,737,310, G>A. VCF-style: chrX-65737310-G-A. GRCh37 (hg19) VCF-style: chrX-64957172-G-A.
Other names: short protein forms R408Q.
Identifiers: ClinVar variation 2991694 (VCV002991694.3), dbSNP rs1196941892, ClinGen allele CA413413532.
Genomic context (GRCh38, chrX:65,737,310, plus strand): 5'-AGCTGGCCAAGGAGCGTCAAGAAGCTGAAGAGGCCAAGGAGGCCTTGCTGCAGGCCTCCC[G>A]GGACCAGAAAAAGACTCAGGAACAGCTGGTAAAGCTGTAGGGTGGGCTGGGATTATGGGA-3'
Protein context (NP_002435.1, residues 398-418): EAKEALLQAS[Arg408Gln]DQKKTQEQLA

ClinVar aggregate classification (germline): Uncertain significance (1 of 4 stars; one submission).

Allele frequency attached by ClinVar (database versions not stated): gnomAD exomes 0.00002; gnomAD 0.00003; TOPMed 0.00005.

Submission:

Labcorp Genetics (formerly Invitae), Labcorp
Classification: Uncertain significance. Last evaluated: 2024-10-30. Review status: criteria provided, single submitter. Criteria: Invitae Variant Classification Sherloc (09022015). Collection method: clinical testing. Allele origin: germline.
Comment: This sequence change replaces arginine, which is basic and polar, with glutamine, which is neutral and polar, at codon 408 of the MSN protein (p.Arg408Gln). The frequency data for this variant in the population databases is considered unreliable, as metrics indicate poor data quality at this position in the gnomAD database. This variant has not been reported in the literature in individuals affected with MSN-related conditions. ClinVar contains an entry for this variant (Variation ID: 2991694). An algorithm developed to predict the effect of missense changes on protein structure and function outputs the following: PolyPhen-2: "Benign". The glutamine amino acid residue is found in multiple mammalian species, which suggests that this missense change does not adversely affect protein function. In summary, the available evidence is currently insufficient to determine the role of this variant in disease. Therefore, it has been classified as a Variant of Uncertain Significance.